The following is an entry in ClinVar:

NM_001367624.2(ZNF469):c.5771A>G (p.Glu1924Gly)

Gene: ZNF469 (zinc finger protein 469; plus strand). Cytogenetic location: 16q24.2.
Variant type: single nucleotide variant.
Coding change: c.5771A>G on transcript NM_001367624.2 (MANE Select); coding-DNA position 5771, A replaced by G.
Protein change: p.Glu1924Gly; replaces glutamic acid 1924 with glycine.
Molecular consequence: missense variant.
Genome position (GRCh38, 1-based): chr16:88,433,241, A>G. VCF-style: chr16-88433241-A-G. GRCh37 (hg19) VCF-style: chr16-88499649-A-G.
Other names: short protein forms E1924G.
Identifiers: ClinVar variation 2694327 (VCV002694327.3), dbSNP rs2507591542, ClinGen allele CA397102316.

ClinVar aggregate classification (germline): Uncertain significance (1 of 4 stars; one submission).

Submission:

Labcorp Genetics (formerly Invitae), Labcorp
Classification: Uncertain significance. Last evaluated: 2024-01-18. Review status: criteria provided, single submitter. Criteria: Invitae Variant Classification Sherloc (09022015). Collection method: clinical testing. Allele origin: germline.
Comment: This sequence change replaces glutamic acid, which is acidic and polar, with glycine, which is neutral and non-polar, at codon 1896 of the ZNF469 protein (p.Glu1896Gly). This variant is not present in population databases (gnomAD no frequency). This variant has not been reported in the literature in individuals affected with ZNF469-related conditions. Algorithms developed to predict the effect of missense changes on protein structure and function output the following: SIFT: "Not Available"; PolyPhen-2: "Benign"; Align-GVGD: "Not Available". The glycine amino acid residue is found in multiple mammalian species, which suggests that this missense change does not adversely affect protein function. In summary, the available evidence is currently insufficient to determine the role of this variant in disease. Therefore, it has been classified as a Variant of Uncertain Significance.